The following is an entry in ClinVar:

NM_001113378.2(FANCI):c.2457-272dup

Gene: FANCI (FA complementation group I; plus strand). Cytogenetic location: 15q26.1.
Variant type: Duplication.
Coding change: c.2457-272dup on transcript NM_001113378.2 (MANE Select); 272 bases into the intron before coding-DNA position 2457, one base duplicated (A; older notation c.2457-272dupA).
Molecular consequence: intron variant.
Genome position (GRCh38, 1-based): chr15:89,294,643, A duplicated; the last of 9 consecutive A bases (chr15:89,294,635-89,294,643); duplicating any one gives the same sequence. VCF-style (leftmost placement, unchanged base first): chr15-89294634-C-CA. GRCh37 (hg19) VCF-style: chr15-89837865-C-CA.
Other names: c.2456+646dup (NM_018193.3); c.2457-272dup (NM_001376911.1); c.2178-272dup (NM_001376910.1).
Identifiers: ClinVar variation 1810603 (VCV001810603.1), dbSNP rs573323704, ClinGen allele CA274577129.

ClinVar aggregate classification (germline): Likely benign (1 of 4 stars; one submission).

Submission:

GeneDx
Classification: Likely benign. Last evaluated: 2019-02-03. Review status: criteria provided, single submitter. Criteria: GeneDx Variant Classification Process June 2021. Collection method: clinical testing. Allele origin: germline. Affected: yes.
Comment: See Variant Classification Assertion Criteria.